The following is an entry in ClinVar:

ClinVar aggregate classification (germline): Uncertain significance (1 of 4 stars; one submission).

Conditions:
Neurodevelopmental disorder with hypotonia, stereotypic hand movements, and impaired language. Also called: Intellectual disability, autosomal dominant 20. Identifiers: Orphanet 228384, Orphanet 664410, MedGen C3150700, MONDO:0013266, OMIM 613443.

Allele frequency attached by ClinVar (database versions not stated): gnomAD exomes below 0.00001.
gnomAD v4.1: 2 of 1,572,196 alleles (0.00013%); highest among the groups gnomAD compares: Non-Finnish European, 0.00017%; no homozygotes.

Submission:

Labcorp Genetics (formerly Invitae), Labcorp
Classification: Uncertain significance for Neurodevelopmental disorder with hypotonia, stereotypic hand movements, and impaired language. Last evaluated: 2022-02-21. Review status: criteria provided, single submitter. Criteria: Invitae Variant Classification Sherloc (09022015). Collection method: clinical testing. Allele origin: germline.
Comment: This sequence change replaces leucine, which is neutral and non-polar, with valine, which is neutral and non-polar, at codon 199 of the MEF2C protein (p.Leu199Val). The frequency data for this variant in the population databases is considered unreliable, as metrics indicate poor data quality at this position in the gnomAD database. In summary, the available evidence is currently insufficient to determine the role of this variant in disease. Therefore, it has been classified as a Variant of Uncertain Significance. Algorithms developed to predict the effect of missense changes on protein structure and function (SIFT, PolyPhen-2, Align-GVGD) all suggest that this variant is likely to be tolerated. This variant has not been reported in the literature in individuals affected with MEF2C-related conditions.

NM_002397.5(MEF2C):c.595C>G (p.Leu199Val)

Gene: MEF2C (myocyte enhancer factor 2C; minus strand). Cytogenetic location: 5q14.3.
Variant type: single nucleotide variant.
Coding change: c.595C>G on transcript NM_002397.5 (MANE Select); coding-DNA position 595, C replaced by G.
Protein change: p.Leu199Val; replaces leucine 199 with valine.
Molecular consequence: missense variant.
Genome position (GRCh38, 1-based): chr5:88,749,112, G>C on the plus strand (C>G on the coding strand, the complement: MEF2C is on the minus strand). VCF-style: chr5-88749112-G-C. GRCh37 (hg19) VCF-style: chr5-88044929-G-C.
Other names: c.595C>G, p.Leu199Val (NM_001364333.2, NM_001364334.2, NM_001364335.2 and 18 more transcripts); c.649C>G, p.Leu217Val (NM_001364338.2, NM_001193347.1); c.589C>G, p.Leu197Val (NM_001131005.2, NM_001364343.2, NM_001364352.2); c.451C>G, p.Leu151Val (NM_001193348.1, NM_001193349.3, NM_001364332.2 and 3 more transcripts); c.217C>G, p.Leu73Val (NM_001364353.2, NM_001364356.2); c.169C>G, p.Leu57Val (NM_001364357.2); short protein forms L199V, L151V, L197V, L73V, L217V, L57V.
Identifiers: ClinVar variation 1963503 (VCV001963503.5), dbSNP rs1472815211, ClinGen allele CA360423632.